The following is an entry in ClinVar:

NM_020754.4(ARHGAP31):c.-6delinsGA

Gene: ARHGAP31 (Rho GTPase activating protein 31; plus strand). Cytogenetic location: 3q13.32.
Variant type: Indel.
Coding change: c.-6delinsGA on transcript NM_020754.4 (MANE Select); 6 bases upstream of the start codon, T replaced by GA.
Molecular consequence: 5 prime UTR variant.
Genome position (GRCh38, 1-based): chr3:119,294,899, T replaced by GA. VCF-style: chr3-119294899-T-GA. GRCh37 (hg19) VCF-style: chr3-119013746-T-GA.
Identifiers: ClinVar variation 2636580 (VCV002636580.1), dbSNP rs2472730085, ClinGen allele CA2695199264.

ClinVar aggregate classification (germline): Uncertain significance (1 of 4 stars; one submission).

Conditions:
ARHGAP31-related disorder. Also called: ARHGAP31-related condition.

Submission:

PreventionGenetics, part of Exact Sciences
Classification: Uncertain significance for ARHGAP31-related condition. Last evaluated: 2022-08-24. Review status: criteria provided, single submitter. Criteria: ACMG Guidelines, 2015. Collection method: clinical testing. Allele origin: germline.
Comment: The ARHGAP31 c.-6delinsGA variant is located in the 5' untranslated region. To our knowledge, this variant has not been reported in the literature or in a large population database, indicating this variant is rare. At this time, the clinical significance of this variant is uncertain due to the absence of conclusive functional and genetic evidence.